The following is an entry in ClinVar:

NM_207118.3(GTF2H5):c.88G>A (p.Gly30Arg)

Gene: GTF2H5 (general transcription factor IIH subunit 5; plus strand). Cytogenetic location: 6q25.3.
Variant type: single nucleotide variant.
Coding change: c.88G>A on transcript NM_207118.3 (MANE Select); coding-DNA position 88, G replaced by A.
Protein change: p.Gly30Arg; replaces glycine 30 with arginine.
Molecular consequence: missense variant.
Genome position (GRCh38, 1-based): chr6:158,192,029, G>A. VCF-style: chr6-158192029-G-A. GRCh37 (hg19) VCF-style: chr6-158613061-G-A.
Other names: short protein forms G30R.
Identifiers: ClinVar variation 1969972 (VCV001969972.3), dbSNP rs781584010, ClinGen allele CA4071594.

ClinVar aggregate classification (germline): Uncertain significance (1 of 4 stars; one submission).

Allele frequency attached by ClinVar (database versions not stated): gnomAD exomes below 0.00001; ExAC 0.00001.
gnomAD v4.1: 4 of 1,613,970 alleles (0.00025%); highest among the groups gnomAD compares: Non-Finnish European, 0.00034%; no homozygotes.

Submission:

Labcorp Genetics (formerly Invitae), Labcorp
Classification: Uncertain significance. Last evaluated: 2022-02-20. Review status: criteria provided, single submitter. Criteria: Invitae Variant Classification Sherloc (09022015). Collection method: clinical testing. Allele origin: germline.
Comment: In summary, the available evidence is currently insufficient to determine the role of this variant in disease. Therefore, it has been classified as a Variant of Uncertain Significance. Algorithms developed to predict the effect of missense changes on protein structure and function (SIFT, PolyPhen-2, Align-GVGD) all suggest that this variant is likely to be disruptive. This variant has not been reported in the literature in individuals affected with GTF2H5-related conditions. This variant is present in population databases (rs781584010, gnomAD 0.006%). This sequence change replaces glycine, which is neutral and non-polar, with arginine, which is basic and polar, at codon 30 of the GTF2H5 protein (p.Gly30Arg).